The following is an entry in ClinVar:

ClinVar aggregate classification (germline): Uncertain significance (1 of 4 stars; one submission).

Conditions:
Inborn genetic diseases. Identifiers: MedGen C0950123, MeSH D030342.

Submission:

Ambry Genetics
Classification: Uncertain significance for Inborn genetic diseases. Last evaluated: 2022-06-10. Review status: criteria provided, single submitter. Criteria: Ambry Variant Classification Scheme 2023. Collection method: clinical testing. Allele origin: germline.
Comment: Occurs in the first base pair of the exon; Not expected to trigger nonsense-mediated mRNA decay Based on insufficient or conflicting evidence, the clinical significance of this alteration remains unclear.

NM_178817.3(MRAP):c.207delG

Genes: MRAP (melanocortin 2 receptor accessory protein; plus strand), URB1 (URB1 ribosome biogenesis factor; minus strand). Cytogenetic location: 21q22.11.
Variant type: Deletion.
Coding change: c.207delG on transcript NM_178817.3; coding-DNA position 207, one base deleted (G).
Molecular consequence: 3 prime UTR variant (on NM_014825.3). On other transcripts: intron variant (1).
Genome position (GRCh38, 1-based): chr21:32,311,684, G deleted; the last of 2 consecutive G bases (chr21:32,311,683-32,311,684); deleting either gives the same sequence. VCF-style (leftmost placement, unchanged base first): chr21-32311682-AG-A. GRCh37 (hg19) VCF-style: chr21-33683993-AG-A.
Other names: c.*3235del (NM_014825.3); c.207-2867del (NM_206898.2).
Identifiers: ClinVar variation 2293471 (VCV002293471.2), dbSNP rs758756101, ClinGen allele CA10000999.